The following is an entry in ClinVar:

ClinVar aggregate classification (germline): Uncertain significance. Review status: criteria provided, multiple submitters, no conflicts (2 of 4 stars). 2 submissions from 2 submitters: Uncertain significance (2). Last evaluated 2026-07-12.

Conditions:
LRP5-related disorder. Also called: LRP5-related condition.

Submissions (2):

PreventionGenetics, part of Exact Sciences
Classification: Uncertain significance for LRP5-related condition. Last evaluated: 2026-07-12. Review status: criteria provided, single submitter. Criteria: ACMG Guidelines, 2015. Collection method: clinical testing. Allele origin: germline.
Comment: The LRP5 c.32C>T variant is predicted to result in the amino acid substitution p.Pro11Leu. To our knowledge, this variant has not been reported in the literature or in a large population database (gnomAD), indicating this variant is rare. At this time, the clinical significance of this variant is uncertain due to the absence of conclusive functional and genetic evidence.

Labcorp Genetics (formerly Invitae), Labcorp
Classification: Uncertain significance. Last evaluated: 2025-01-24. Review status: criteria provided, single submitter. Criteria: Invitae Variant Classification Sherloc (09022015). Collection method: clinical testing. Allele origin: germline.
Comment: This sequence change replaces proline, which is neutral and non-polar, with leucine, which is neutral and non-polar, at codon 11 of the LRP5 protein (p.Pro11Leu). The frequency data for this variant in the population databases is considered unreliable, as metrics indicate insufficient coverage at this position in the gnomAD database. This variant has not been reported in the literature in individuals affected with LRP5-related conditions. Invitae Evidence Modeling of protein sequence and biophysical properties (such as structural, functional, and spatial information, amino acid conservation, physicochemical variation, residue mobility, and thermodynamic stability) has been performed for this missense variant. However, the output from this modeling did not meet the statistical confidence thresholds required to predict the impact of this variant on LRP5 protein function. In summary, the available evidence is currently insufficient to determine the role of this variant in disease. Therefore, it has been classified as a Variant of Uncertain Significance.

NM_002335.4(LRP5):c.32C>T (p.Pro11Leu)

Gene: LRP5 (LDL receptor related protein 5; plus strand). Cytogenetic location: 11q13.2.
Variant type: single nucleotide variant.
Coding change: c.32C>T on transcript NM_002335.4 (MANE Select); coding-DNA position 32, C replaced by T.
Protein change: p.Pro11Leu; replaces proline 11 with leucine.
Molecular consequence: missense variant. On other transcripts: 5 prime UTR variant (1).
Genome position (GRCh38, 1-based): chr11:68,312,746, C>T. VCF-style: chr11-68312746-C-T. GRCh37 (hg19) VCF-style: chr11-68080214-C-T.
Other names: c.-1734C>T (NM_001291902.2); c.32C>T (NM_002335.3); short protein forms P11L.
Identifiers: ClinVar variation 3621161 (VCV003621161.3).